The following is an entry in ClinVar:

NM_020779.4(WDR35):c.3034G>C (p.Ala1012Pro)

Gene: WDR35 (WD repeat domain 35; minus strand). Cytogenetic location: 2p24.1.
Variant type: single nucleotide variant.
Coding change: c.3034G>C on transcript NM_020779.4 (MANE Select); coding-DNA position 3034, G replaced by C.
Protein change: p.Ala1012Pro; replaces alanine 1012 with proline.
Molecular consequence: missense variant.
Genome position (GRCh38, 1-based): chr2:19,930,483, C>G on the plus strand (G>C on the coding strand, the complement: WDR35 is on the minus strand). VCF-style: chr2-19930483-C-G. GRCh37 (hg19) VCF-style: chr2-20130244-C-G.
Other names: c.3067G>C, p.Ala1023Pro (NM_001006657.2); short protein forms A1012P, A1023P.
Identifiers: ClinVar variation 1715591 (VCV001715591.5), dbSNP rs2527836026, ClinGen allele CA345941633.

ClinVar aggregate classification (germline): Uncertain significance (1 of 4 stars; one submission).

Conditions:
Cranioectodermal dysplasia 2 (CED2). Identifiers: Orphanet 1515, MedGen C3150874, MONDO:0013323, OMIM 613610.
Short-rib thoracic dysplasia 7 with or without polydactyly (SRTD7). Also called: Short rib polydactyly syndrome 5; SHORT-RIB THORACIC DYSPLASIA 7 WITH POLYDACTYLY. Identifiers: Orphanet 498497, Orphanet 93271, MedGen C3279792, MONDO:0013569, OMIM 614091.

Submission:

Labcorp Genetics (formerly Invitae), Labcorp
Classification: Uncertain significance for Cranioectodermal dysplasia 2; Short-rib thoracic dysplasia 7 with or without polydactyly. Last evaluated: 2022-08-09. Review status: criteria provided, single submitter. Criteria: Invitae Variant Classification Sherloc (09022015). Collection method: clinical testing. Allele origin: germline.
Comment: This sequence change replaces alanine, which is neutral and non-polar, with proline, which is neutral and non-polar, at codon 1023 of the WDR35 protein (p.Ala1023Pro). This variant is not present in population databases (gnomAD no frequency). This variant has not been reported in the literature in individuals affected with WDR35-related conditions. Algorithms developed to predict the effect of missense changes on protein structure and function (SIFT, PolyPhen-2, Align-GVGD) all suggest that this variant is likely to be tolerated. In summary, the available evidence is currently insufficient to determine the role of this variant in disease. Therefore, it has been classified as a Variant of Uncertain Significance.